The following is an entry in ClinVar:

NM_001457.4(FLNB):c.5888-15T>G

Gene: FLNB (filamin B; plus strand). Cytogenetic location: 3p14.3.
Variant type: single nucleotide variant.
Coding change: c.5888-15T>G on transcript NM_001457.4 (MANE Select); 15 bases into the intron before coding-DNA position 5888, T replaced by G.
Molecular consequence: intron variant.
Genome position (GRCh38, 1-based): chr3:58,148,634, T>G. VCF-style: chr3-58148634-T-G. GRCh37 (hg19) VCF-style: chr3-58134361-T-G.
Other names: c.5981-15T>G (NM_001164317.2); c.5855-15T>G (NM_001164318.2); c.5816-15T>G (NM_001164319.2).
Identifiers: ClinVar variation 4762565 (VCV004762565.1).

ClinVar aggregate classification (germline): Uncertain significance (1 of 4 stars; one submission).

gnomAD v4.1: 2 of 1,610,754 alleles (0.00012%); highest among the groups gnomAD compares: Non-Finnish European, 0.00017%; no homozygotes.

Submission:

Labcorp Genetics (formerly Invitae), Labcorp
Classification: Uncertain significance. Last evaluated: 2025-05-26. Review status: criteria provided, single submitter. Criteria: Invitae Variant Classification Sherloc (09022015). Collection method: clinical testing. Allele origin: germline.
Comment: This sequence change falls in intron 35 of the FLNB gene. It does not directly change the encoded amino acid sequence of the FLNB protein. This variant is present in population databases (no rsID available, gnomAD 0.0009%). This variant has not been reported in the literature in individuals affected with FLNB-related conditions. Algorithms developed to predict the effect of sequence changes on RNA splicing suggest that this variant may create or strengthen a splice site. In summary, the available evidence is currently insufficient to determine the role of this variant in disease. Therefore, it has been classified as a Variant of Uncertain Significance.